The following is an entry in ClinVar:

NM_001375905.1(SGMS2):c.737G>A (p.Arg246His)

Genes: SGMS2 (sphingomyelin synthase 2; plus strand), CYP2U1-AS1 (CYP2U1 and SGMS2 antisense RNA 1; minus strand). Cytogenetic location: 4q25.
Variant type: single nucleotide variant.
Coding change: c.737G>A on transcript NM_001375905.1 (MANE Select); coding-DNA position 737, G replaced by A.
Protein change: p.Arg246His; replaces arginine 246 with histidine.
Molecular consequence: missense variant. On other transcripts: intron variant (1).
Genome position (GRCh38, 1-based): chr4:107,908,574, G>A. VCF-style: chr4-107908574-G-A. GRCh37 (hg19) VCF-style: chr4-108829730-G-A.
Other names: c.737G>A, p.Arg246His (NM_001136257.2, NM_001136258.2, NM_001375906.1 and 3 more transcripts); c.218G>A, p.Arg73His (NM_001375911.1); c.728-1776G>A (NM_001375910.1); short protein forms R246H, R73H.
Identifiers: ClinVar variation 1421768 (VCV001421768.7), dbSNP rs199981148, ClinGen allele CA3036864.

ClinVar aggregate classification (germline): Uncertain significance. Review status: criteria provided, multiple submitters, no conflicts (2 of 4 stars). 2 submissions from 2 submitters: Uncertain significance (2). Last evaluated 2025-07-13.

Conditions:
Calvarial doughnut lesions-bone fragility syndrome. Also called: Doughnut lesions of skull, familial. Identifiers: Orphanet 85192, MedGen C1852022, MONDO:0007470, OMIM 126550.

Allele frequency attached by ClinVar (database versions not stated): gnomAD exomes 0.00004 and 0.00007; ExAC 0.00007; 1000 Genomes Project 30x 0.00016; 1000 Genomes Project 0.00020.

Submissions (2):

Labcorp Genetics (formerly Invitae), Labcorp
Classification: Uncertain significance. Last evaluated: 2025-07-13. Review status: criteria provided, single submitter. Criteria: Invitae Variant Classification Sherloc (09022015). Collection method: clinical testing. Allele origin: germline.
Comment: This sequence change replaces arginine, which is basic and polar, with histidine, which is basic and polar, at codon 246 of the SGMS2 protein (p.Arg246His). This variant is present in population databases (rs199981148, gnomAD 0.02%). This variant has not been reported in the literature in individuals affected with SGMS2-related conditions. ClinVar contains an entry for this variant (Variation ID: 1421768). Invitae Evidence Modeling of protein sequence and biophysical properties (such as structural, functional, and spatial information, amino acid conservation, physicochemical variation, residue mobility, and thermodynamic stability) indicates that this missense variant is not expected to disrupt SGMS2 protein function with a negative predictive value of 80%. In summary, the available evidence is currently insufficient to determine the role of this variant in disease. Therefore, it has been classified as a Variant of Uncertain Significance.

Department of Pathology and Laboratory Medicine, Sinai Health System
Classification: Uncertain significance for Calvarial doughnut lesions-bone fragility syndrome. Last evaluated: 2021-11-02. Review status: criteria provided, single submitter. Criteria: ACMG Guidelines, 2015. Collection method: research. Allele origin: germline.